The following is an entry in ClinVar:

NM_003872.3(NRP2):c.2425+9733C>T

Gene: NRP2 (neuropilin 2; plus strand). Cytogenetic location: 2q33.3.
Variant type: single nucleotide variant.
Coding change: c.2425+9733C>T on transcript NM_003872.3 (MANE Select); 9733 bases into the intron after coding-DNA position 2425, C replaced by T.
Molecular consequence: intron variant. On other transcripts: 3 prime UTR variant (2).
Genome position (GRCh38, 1-based): chr2:205,776,536, C>T. VCF-style: chr2-205776536-C-T. GRCh37 (hg19) VCF-style: chr2-206641260-C-T.
Other names: c.*10C>T (NM_018534.4, NM_201267.2); c.2440+9718C>T (NM_201266.2); c.2425+9733C>T (NM_201279.2).
Identifiers: ClinVar variation 3039869 (VCV003039869.2), dbSNP rs200540514, ClinGen allele CA2069552.

ClinVar aggregate classification (germline): Likely benign (0 of 4 stars; one submission).

Conditions:
NRP2-related disorder. Also called: NRP2-related condition.

Allele frequency attached by ClinVar (database versions not stated): 1000 Genomes Project 30x 0.00016; 1000 Genomes Project 0.00020; gnomAD 0.00033; TOPMed 0.00038; ExAC 0.00041; ESP Exome Variant Server 0.00062.
gnomAD v4.1: 771 of 1,602,466 alleles (0.048%); highest among the groups gnomAD compares: Non-Finnish European, 0.06%; no homozygotes.

Submission:

PreventionGenetics, part of Exact Sciences
Classification: Likely benign for NRP2-related condition. Last evaluated: 2021-09-03. Review status: no assertion criteria provided. Collection method: clinical testing. Allele origin: germline.
Comment: This variant is classified as likely benign based on ACMG/AMP sequence variant interpretation guidelines (Richards et al. 2015 PMID: 25741868, with internal and published modifications).